The following is an entry in ClinVar:

ClinVar aggregate classification (germline): Uncertain significance. Review status: criteria provided, multiple submitters, no conflicts (2 of 4 stars). 3 submissions from 3 submitters: Uncertain significance (3). Last evaluated 2025-06-01.

Conditions:
Neuropathy, hereditary sensory and autonomic, type 2A (HSAN2A). Also called: WNK1-Related HSAN2 (HSAN2A); ACROOSTEOLYSIS, GIACCAI TYPE; ACROOSTEOLYSIS, NEUROGENIC; NEUROPATHY, CONGENITAL SENSORY; NEUROPATHY, HEREDITARY SENSORY RADICULAR, AUTOSOMAL RECESSIVE; NEUROPATHY, HEREDITARY SENSORY, TYPE IIA. Identifiers: Orphanet 970, MedGen C2752089, MONDO:0024309, OMIM 201300.
Generalized epilepsy with febrile seizures plus, type 7 (GEFSP7). Also called: GEFS+, TYPE 7. Identifiers: Orphanet 36387, MedGen C2751778, MONDO:0013470, OMIM 613863.

Allele frequency attached by ClinVar (database versions not stated): ExAC 0.00001; gnomAD 0.00001; gnomAD exomes 0.00001 and 0.00002.
gnomAD v4.1: 26 of 1,614,002 alleles (0.0016%); highest among the groups gnomAD compares: Non-Finnish European, 0.0021%; no homozygotes.

Submissions (3):

CeGaT Center for Human Genetics Tuebingen
Classification: Uncertain significance. Last evaluated: 2025-06-01. Review status: criteria provided, single submitter. Criteria: CeGaT Center For Human Genetics Tuebingen Variant Classification Criteria Version 2. Collection method: clinical testing. Allele origin: germline. Affected: yes. Observed: 1 variant allele.
Comment: SCN9A: PM2, PM5:Supporting, PP3

Labcorp Genetics (formerly Invitae), Labcorp
Classification: Uncertain significance for Neuropathy, hereditary sensory and autonomic, type 2A; Generalized epilepsy with febrile seizures plus, type 7. Last evaluated: 2022-11-04. Review status: criteria provided, single submitter. Criteria: Invitae Variant Classification Sherloc (09022015). Collection method: clinical testing. Allele origin: germline.
Comment: Advanced modeling of protein sequence and biophysical properties (such as structural, functional, and spatial information, amino acid conservation, physicochemical variation, residue mobility, and thermodynamic stability) performed at Invitae indicates that this missense variant is not expected to disrupt SCN9A protein function. In summary, the available evidence is currently insufficient to determine the role of this variant in disease. Therefore, it has been classified as a Variant of Uncertain Significance. ClinVar contains an entry for this variant (Variation ID: 393040). This variant has not been reported in the literature in individuals affected with SCN9A-related conditions. This variant is present in population databases (rs776586182, gnomAD 0.002%). This sequence change replaces glycine, which is neutral and non-polar, with alanine, which is neutral and non-polar, at codon 1725 of the SCN9A protein (p.Gly1725Ala).

GeneDx
Classification: Uncertain significance. Last evaluated: 2017-01-18. Review status: criteria provided, single submitter. Criteria: GeneDx Variant Classification (06012015). Collection method: clinical testing. Allele origin: germline. Affected: yes.
Comment: A variant of uncertain significance has been identified in the SCN9A gene. The G1725A variant has not been published as a pathogenic variant, nor has it been reported as a benign variant to our knowledge. The G1725A variant is not observed at a significant frequency in large population cohorts (Lek et al., 2016; 1000 Genomes Consortium et al., 2015; Exome Variant Server). This substitution occurs at a position that is conserved across species. In silico analysis predicts this variant is probably damaging to the protein structure/function. However, the G1725A variant is a conservative amino acid substitution, which is not likely to impact secondary protein structure as these residues share similar properties. Therefore, based on the currently available information, it is unclear whether this variant is a pathogenic variant or a rare benign variant.

NM_001365536.1(SCN9A):c.5207G>C (p.Gly1736Ala)

Genes: SCN1A-AS1 (SCN1A and SCN9A antisense RNA 1; plus strand), SCN9A (sodium voltage-gated channel alpha subunit 9; minus strand). Cytogenetic location: 2q24.3.
Variant type: single nucleotide variant.
Coding change: c.5207G>C on transcript NM_001365536.1 (MANE Select); coding-DNA position 5207, G replaced by C.
Protein change: p.Gly1736Ala; replaces glycine 1736 with alanine.
Molecular consequence: missense variant.
Genome position (GRCh38, 1-based): chr2:166,199,432, C>G on the plus strand (G>C on the coding strand, the complement: SCN9A is on the minus strand). VCF-style: chr2-166199432-C-G. GRCh37 (hg19) VCF-style: chr2-167055942-C-G.
Other names: c.5174G>C, p.Gly1725Ala (NM_002977.4); short protein forms G1725A, G1736A.
Identifiers: ClinVar variation 393040 (VCV000393040.20), dbSNP rs776586182, ClinGen allele CA1943712.